The following is an entry in ClinVar:

ClinVar aggregate classification (germline): Uncertain significance. Review status: criteria provided, multiple submitters, no conflicts (2 of 4 stars). 5 submissions from 5 submitters: Uncertain significance (5). Last evaluated 2026-09-15.

Conditions:
Inborn genetic diseases. Identifiers: MedGen C0950123, MeSH D030342.
PEX13-related disorder. Also called: PEX13-related condition; PEX13-related disorders.
Peroxisome biogenesis disorder 11A (Zellweger). Also called: Peroxisome biogenesis disorder 11A. Identifiers: Orphanet 912, MedGen C3554000, MONDO:0013949, OMIM 614883.
Peroxisome biogenesis disorder 11B (PBD11B). Identifiers: Orphanet 44, MedGen C3554001, MONDO:0013950, OMIM 614885.

Allele frequency attached by ClinVar (database versions not stated): ExAC 0.00001; gnomAD exomes 0.00003 and 0.00010; TOPMed 0.00005; gnomAD 0.00006.
gnomAD v4.1: 155 of 1,612,768 alleles (0.0096%); highest among the groups gnomAD compares: Non-Finnish European, 0.012%; no homozygotes.

Submissions (5):

PreventionGenetics, part of Exact Sciences
Classification: Uncertain significance for PEX13-related condition. Last evaluated: 2026-09-15. Review status: criteria provided, single submitter. Criteria: ACMG Guidelines, 2015. Collection method: clinical testing. Allele origin: germline.
Comment: The PEX13 c.677G>A variant is predicted to result in the amino acid substitution p.Arg226Gln. To our knowledge, this variant has not been reported in the literature. This variant is reported in 0.0062% of alleles in individuals of European (Non-Finnish) descent in gnomAD. At this time, the clinical significance of this variant is uncertain due to the absence of conclusive functional and genetic evidence.

Labcorp Genetics (formerly Invitae), Labcorp
Classification: Uncertain significance for Peroxisome biogenesis disorder 11A (Zellweger). Last evaluated: 2025-11-10. Review status: criteria provided, single submitter. Criteria: Invitae Variant Classification Sherloc (09022015). Collection method: clinical testing. Allele origin: germline.
Comment: This sequence change replaces arginine, which is basic and polar, with glutamine, which is neutral and polar, at codon 226 of the PEX13 protein (p.Arg226Gln). This variant is present in population databases (rs775953595, gnomAD 0.006%). This variant has not been reported in the literature in individuals affected with PEX13-related conditions. ClinVar contains an entry for this variant (Variation ID: 499526). Invitae Evidence Modeling of protein sequence and biophysical properties (such as structural, functional, and spatial information, amino acid conservation, physicochemical variation, residue mobility, and thermodynamic stability) indicates that this missense variant is not expected to disrupt PEX13 protein function with a negative predictive value of 80%. In summary, the available evidence is currently insufficient to determine the role of this variant in disease. Therefore, it has been classified as a Variant of Uncertain Significance.

Fulgent Genetics
Classification: Uncertain significance for Peroxisome biogenesis disorder 11A (Zellweger); Peroxisome biogenesis disorder 11B. Last evaluated: 2022-02-28. Review status: criteria provided, single submitter. Criteria: ACMG Guidelines, 2015. Collection method: clinical testing. Allele origin: unknown.

Ambry Genetics
Classification: Uncertain significance for Inborn genetic diseases. Last evaluated: 2021-09-01. Review status: criteria provided, single submitter. Criteria: Ambry Variant Classification Scheme 2023. Collection method: clinical testing. Allele origin: germline.

Eurofins Ntd Llc (ga)
Classification: Uncertain significance. Last evaluated: 2017-01-16. Review status: criteria provided, single submitter. Criteria: EGL Classification Definitions 2015. Collection method: clinical testing. Allele origin: germline. Observed: 2 variant alleles, 2 heterozygotes.

NM_002618.4(PEX13):c.677G>A (p.Arg226Gln)

Gene: PEX13 (peroxisomal biogenesis factor 13; plus strand). Cytogenetic location: 2p15.
Variant type: single nucleotide variant.
Coding change: c.677G>A on transcript NM_002618.4 (MANE Select); coding-DNA position 677, G replaced by A.
Protein change: p.Arg226Gln; replaces arginine 226 with glutamine.
Molecular consequence: missense variant.
Genome position (GRCh38, 1-based): chr2:61,032,003, G>A. VCF-style: chr2-61032003-G-A. GRCh37 (hg19) VCF-style: chr2-61259138-G-A.
Other names: short protein forms R226Q.
Identifiers: ClinVar variation 499526 (VCV000499526.14), dbSNP rs775953595, ClinGen allele CA1673332.
Genomic context (GRCh38, chr2:61,032,003, plus strand): 5'-AGAATGAAGACCTCTGGGCAGAGAGTGAAGGAACTGTGGCATGCCTTGGTGCTGAGGACC[G>A]AGCAGCTACCTCAGCAAAATCTTGGCCAATATTCTTGTTCTTTGCTGTTATCCTTGGTGG-3'
Protein context (NP_002609.1, residues 216-236): GTVACLGAED[Arg226Gln]AATSAKSWPI